The following is an entry in ClinVar:

NM_018341.3(ERMARD):c.1521-120C>A

Gene: ERMARD (ER membrane associated RNA degradation; plus strand). Cytogenetic location: 6q27.
Variant type: single nucleotide variant.
Coding change: c.1521-120C>A on transcript NM_018341.3 (MANE Select); 120 bases into the intron before coding-DNA position 1521, C replaced by A.
Molecular consequence: intron variant. On other transcripts: missense variant (1).
Genome position (GRCh38, 1-based): chr6:169,776,335, C>A. VCF-style: chr6-169776335-C-A. GRCh37 (hg19) VCF-style: chr6-170176431-C-A.
Other names: c.1522C>A, p.Pro508Thr (NM_001278531.2); c.1520+270C>A (NM_001278533.2); c.1143-120C>A (NM_001278532.2); c.1113-120C>A (NM_001410957.1); short protein forms P508T.
Identifiers: ClinVar variation 2629129 (VCV002629129.1), dbSNP rs1407755819, ClinGen allele CA366503862.
Genomic context (GRCh38, chr6:169,776,335, plus strand): 5'-TTTGCCACAATTCAGTGTGTTTAGTTAACACTTGCCGCGTGTCACGGTTGTCCCTGCAGA[C>A]CAACCAGCGATACGCCGCTAGCCCTGGCTCCCAGAAAGCCGCAGCCTTGCAGGTGCAGAA-3'

ClinVar aggregate classification (germline): Uncertain significance (1 of 4 stars; one submission).

Conditions:
ERMARD-related disorder. Also called: ERMARD-related condition.

Allele frequency attached by ClinVar (database versions not stated): gnomAD 0.00001; TOPMed 0.00002; gnomAD exomes 0.00014.
gnomAD v4.1: 188 of 1,552,642 alleles (0.012%); highest among the groups gnomAD compares: Non-Finnish European, 0.016%; no homozygotes.

Submission:

PreventionGenetics, part of Exact Sciences
Classification: Uncertain significance for ERMARD-related condition. Last evaluated: 2023-04-13. Review status: criteria provided, single submitter. Criteria: ACMG Guidelines, 2015. Collection method: clinical testing. Allele origin: germline.
Comment: The ERMARD c.1522C>A variant is predicted to result in the amino acid substitution p.Pro508Thr. Of note, in the more commonly reported transcript (NM_018341.3) this variant is intronic. To our knowledge, this variant has not been reported in the literature. This variant is reported in 0.0034% of alleles in individuals of European (Non-Finnish) descent in gnomAD. At this time, the clinical significance of this variant is uncertain due to the absence of conclusive functional and genetic evidence.